The following is an entry in ClinVar:

NM_000218.3(KCNQ1):c.1942G>A (p.Val648Ile)

Genes: KCNQ1 (potassium voltage-gated channel subfamily Q member 1; plus strand), KCNQ1-AS1 (KCNQ1 antisense RNA 1; minus strand). Cytogenetic location: 11p15.4.
Variant type: single nucleotide variant.
Coding change: c.1942G>A on transcript NM_000218.3 (MANE Select); coding-DNA position 1942, G replaced by A.
Protein change: p.Val648Ile; replaces valine 648 with isoleucine.
Molecular consequence: missense variant.
Genome position (GRCh38, 1-based): chr11:2,847,914, G>A. VCF-style: chr11-2847914-G-A. GRCh37 (hg19) VCF-style: chr11-2869144-G-A.
Other names: c.1942G>A (LRG_287t1); c.1846G>A, p.Val616Ile (NM_001406836.1); c.1672G>A, p.Val558Ile (NM_001406837.1); c.1402G>A, p.Val468Ile (NM_001406838.1); c.454G>A, p.Val152Ile (NM_001406839.1); c.1561G>A, p.Val521Ile (NM_181798.2); short protein forms V521I, V648I, V152I, V468I, V616I, V558I.
Identifiers: ClinVar variation 36438 (VCV000036438.39), dbSNP rs34150427, ClinGen allele CA006603.

ClinVar aggregate classification (germline): Benign/Likely benign. Review status: criteria provided, multiple submitters, no conflicts (2 of 4 stars). 17 submissions from 14 submitters: Benign (10); Likely benign (5). 2 of the submissions do not count toward it. Last evaluated 2026-02-01.

Conditions:
Cardiac arrhythmia. Also called: Arrhythmia; Cardiac rhythm disease. Identifiers: MedGen C0003811, MONDO:0007263, HP:0011675.
Cardiovascular phenotype. Identifiers: MedGen CN230736.
Long QT syndrome (LQTS). Identifiers: MedGen C0023976, MeSH D008133, MONDO:0002442. Disease mechanism: loss of function. Inheritance: Various modes of inheritance.
Atrial fibrillation, familial, 3 (ATFB3). Identifiers: MedGen C1837014, MONDO:0011857, OMIM 607554.
Short QT syndrome type 2. Identifiers: Orphanet 51083, MedGen C1865019, MONDO:0012313, OMIM 609621.
Long QT syndrome 1 (LQT1). Identifiers: Orphanet 101016, Orphanet 768, MedGen C4551647, MONDO:0100316, OMIM 192500, MONDO:0008646.
Jervell and Lange-Nielsen syndrome 1 (JLNS1). Also called: PROLONGED QT INTERVAL IN EKG AND SUDDEN DEATH; SURDO-CARDIAC SYNDROME; CARDIOAUDITORY SYNDROME OF JERVELL AND LANGE-NIELSEN; DEAFNESS, CONGENITAL, AND FUNCTIONAL HEART DISEASE. Identifiers: Orphanet 768, Orphanet 90647, MedGen C4551509, MONDO:0024540, OMIM 220400.

Allele frequency attached by ClinVar (database versions not stated): gnomAD exomes 0.00145; ExAC 0.00370; ESP Exome Variant Server 0.00613; gnomAD 0.00680 and 0.00734; 1000 Genomes Project 0.00739; TOPMed 0.00756; 1000 Genomes Project 30x 0.00796.
gnomAD v4.1: 1,975 of 1,576,322 alleles (0.13%); highest among the groups gnomAD compares: African/African-American, 2.3%; 16 homozygotes.

Submissions (17):

Labcorp Genetics (formerly Invitae), Labcorp
Classification: Benign for Long QT syndrome. Last evaluated: 2026-02-01. Review status: criteria provided, single submitter. Criteria: Invitae Variant Classification Sherloc (09022015). Collection method: clinical testing. Allele origin: germline.

Molecular Diagnostic Laboratory for Inherited Cardiovascular Disease, Montreal Heart Institute
Classification: Likely benign. Last evaluated: 2025-04-09. Review status: criteria provided, single submitter. Criteria: ACMG Guidelines, 2015. Collection method: clinical testing. Allele origin: germline. Affected: no.

Blueprint Genetics
Classification: Likely benign. Last evaluated: 2024-11-13. Review status: criteria provided, single submitter. Criteria: ACMG Guidelines, 2015. Collection method: clinical testing. Allele origin: germline.

ARUP Laboratories, Molecular Genetics and Genomics, ARUP Laboratories
Classification: Likely benign. Last evaluated: 2023-12-14. Review status: criteria provided, single submitter. Criteria: ARUP Molecular Germline Variant Investigation Process 2024. Collection method: clinical testing. Allele origin: germline.

GeneDx
Classification: Benign. Last evaluated: 2020-03-11. Review status: criteria provided, single submitter. Criteria: GeneDx Variant Classification Process June 2021. Collection method: clinical testing. Allele origin: germline. Affected: yes.
Comment: This variant is associated with the following publications: (PMID: 15913580)

Color Diagnostics, LLC DBA Color Health
Classification: Benign for Arrhythmia. Last evaluated: 2018-03-19. Review status: criteria provided, single submitter. Criteria: ACMG Guidelines, 2015. Collection method: clinical testing. Allele origin: germline.

Illumina Laboratory Services, Illumina
Classification: Benign for Jervell and Lange-Nielsen syndrome 1. Last evaluated: 2018-01-12. Review status: criteria provided, single submitter. Criteria: ICSL Variant Classification Criteria 13 December 2019. Collection method: clinical testing. Allele origin: germline.
Comment: This variant was observed in the ICSL laboratory as part of a predisposition screen in an ostensibly healthy population. It had not been previously curated by ICSL or reported in the Human Gene Mutation Database (HGMD: prior to June 1st, 2018), and was therefore a candidate for classification through an automated scoring system. Utilizing variant allele frequency, disease prevalence and penetrance estimates, and inheritance mode, an automated score was calculated to assess if this variant is too frequent to cause the disease. Based on the score and internal cut-off values, a variant classified as benign is not then subjected to further curation. The score for this variant resulted in a classification of benign for this disease.

Illumina Laboratory Services, Illumina
Classification: Likely benign for Atrial fibrillation, familial, 3. Last evaluated: 2018-01-12. Review status: criteria provided, single submitter. Criteria: ICSL Variant Classification Criteria 13 December 2019. Collection method: clinical testing. Allele origin: germline.
Comment: This variant was observed in the ICSL laboratory as part of a predisposition screen in an ostensibly healthy population. It had not been previously curated by ICSL or reported in the Human Gene Mutation Database (HGMD: prior to June 1st, 2018), and was therefore a candidate for classification through an automated scoring system. Utilizing variant allele frequency, disease prevalence and penetrance estimates, and inheritance mode, an automated score was calculated to assess if this variant is too frequent to cause the disease. Based on the score and internal cut-off values, a variant classified as likely benign is not then subjected to further curation. The score for this variant resulted in a classification of likely benign for this disease.

Illumina Laboratory Services, Illumina
Classification: Benign for Short QT syndrome type 2. Last evaluated: 2018-01-12. Review status: criteria provided, single submitter. Criteria: ICSL Variant Classification Criteria 13 December 2019. Collection method: clinical testing. Allele origin: germline.
Comment: the same text as in the submission from Illumina Laboratory Services, Illumina above.

Illumina Laboratory Services, Illumina
Classification: Benign for Long QT syndrome 1. Last evaluated: 2018-01-12. Review status: criteria provided, single submitter. Criteria: ICSL Variant Classification Criteria 13 December 2019. Collection method: clinical testing. Allele origin: germline.
Comment: the same text as in the submission from Illumina Laboratory Services, Illumina above.

Mayo Clinic Laboratories, Mayo Clinic
Classification: Benign. Last evaluated: 2016-06-28. Review status: criteria provided, single submitter. Criteria: ACMG Guidelines, 2015. Collection method: clinical testing. Allele origin: germline. Observed: 8 variant alleles.

Eurofins Ntd Llc (ga)
Classification: Benign. Last evaluated: 2016-02-08. Review status: criteria provided, single submitter. Criteria: EGL Classification Definitions 2015. Collection method: clinical testing. Allele origin: germline. Observed: 2 variant alleles, 2 heterozygotes.

Ambry Genetics
Classification: Benign for Cardiovascular phenotype. Last evaluated: 2016-02-02. Review status: criteria provided, single submitter. Criteria: Ambry Variant Classification Scheme 2023. Collection method: clinical testing. Allele origin: germline.

Laboratory for Molecular Medicine, Mass General Brigham Personalized Medicine
Classification: Benign. Last evaluated: 2012-05-07. Review status: criteria provided, single submitter. Criteria: LMM Criteria. Collection method: clinical testing. Allele origin: germline. Observed: 5 variant alleles.
Comment: Val648Ile in Exon 16 of KCNQ1: This variant is not expected to have clinical sig nificance because it has been identified in 1.7% (60/3612) of African American c hromosomes from a broad population by the NHLBI Exome Sequencing Project (dbSNP rs34150427).

Breakthrough Genomics
Classification: Likely benign. Review status: criteria provided, single submitter. Criteria: ACMG Guidelines, 2015. Collection method: not provided. Allele origin: germline. Inheritance: Autosomal recessive inheritance. Affected: yes.

Women's Health and Genetics/Laboratory Corporation of America, LabCorp
Classification: Benign for Arrhythmia. Last evaluated: 2013-02-18. Review status: no assertion criteria provided. Collection method: clinical testing. Allele origin: germline. Not counted in ClinVar's aggregate classification.

Cardiovascular Biomedical Research Unit, Royal Brompton & Harefield NHS Foundation Trust
No classification provided. Review status: no classification provided. Collection method: literature only. Allele origin: germline. Not counted in ClinVar's aggregate classification.
Comment: This variant has been reported in the following publications (PMID:14661677;PMID:19841300).

Literature cited by the submitters: PubMed 14661677 (cited by Cardiovascular Biomedical Research Unit, Royal Brompton & Harefield NHS Foundation Trust); PubMed 19841300 (cited by Cardiovascular Biomedical Research Unit, Royal Brompton & Harefield NHS Foundation Trust); PubMed 22581653 (cited by Cardiovascular Biomedical Research Unit, Royal Brompton & Harefield NHS Foundation Trust).